The following is an entry in ClinVar:

ClinVar aggregate classification (germline): Likely benign (0 of 4 stars; one submission).

Conditions:
BRD2-related disorder. Also called: BRD2-related condition.

Allele frequency attached by ClinVar (database versions not stated): 1000 Genomes Project 30x 0.00016; 1000 Genomes Project 0.00020; ExAC 0.00043; gnomAD 0.00045; TOPMed 0.00049; gnomAD exomes 0.00050; ESP Exome Variant Server 0.00059.

Submission:

PreventionGenetics, part of Exact Sciences
Classification: Likely benign for BRD2-related condition. Last evaluated: 2019-03-08. Review status: no assertion criteria provided. Collection method: clinical testing. Allele origin: germline.
Comment: This variant is classified as likely benign based on ACMG/AMP sequence variant interpretation guidelines (Richards et al. 2015 PMID: 25741868, with internal and published modifications).

NM_005104.4(BRD2):c.472-5C>T

Gene: BRD2 (bromodomain containing 2; plus strand). Cytogenetic location: 6p21.32.
Variant type: single nucleotide variant.
Coding change: c.472-5C>T on transcript NM_005104.4 (MANE Select); 5 bases into the intron before coding-DNA position 472, C replaced by T.
Molecular consequence: intron variant.
Genome position (GRCh38, 1-based): chr6:32,976,026, C>T. VCF-style: chr6-32976026-C-T. GRCh37 (hg19) VCF-style: chr6-32943803-C-T.
Other names: c.112-5C>T (NM_001291986.2); c.472-5C>T (NM_001113182.3, NM_001199455.1); c.331-5C>T (NM_001199456.2).
Identifiers: ClinVar variation 3049144 (VCV003049144.2), dbSNP rs375312758, ClinGen allele CA3748207.
Genomic context (GRCh38, chr6:32,976,026, plus strand): 5'-ATGGTGTGTATCTATCTTCTGTTGGCATTTTTTAACTTTCTTTATTGCTGTCTGTGTTCT[C>T]ATAGCCCACTGATGATATTGTCCTAATGGCACAAACGCTGGAAAAGATATTCCTACAGAA-3'